The following is an entry in ClinVar:

ClinVar aggregate classification (germline): Likely benign. Review status: criteria provided, multiple submitters, no conflicts (2 of 4 stars). 5 submissions from 5 submitters: Likely benign (5). Last evaluated 2026-01-22.

Conditions:
Neuronopathy, distal hereditary motor, type 7A. Also called: SPINAL MUSCULAR ATROPHY, DISTAL, WITH VOCAL CORD PARALYSIS; NEURONOPATHY, DISTAL HEREDITARY MOTOR, HARDING TYPE VIIA; NEUROPATHY, DISTAL HEREDITARY MOTOR, HARDING TYPE VIIA; Neuronopathy, distal hereditary motor, type viia; Neuronopathy, distal hereditary motor, autosomal dominant 7; HARPER-YOUNG MYOPATHY. Identifiers: Orphanet 139589, MedGen C1834703, MONDO:0008024, OMIM 158580.
Congenital myasthenic syndrome 20. Also called: Myasthenic syndrome, congenital, 20, presynaptic. Identifiers: MedGen C4310694, MONDO:0014939, OMIM 617143.
Inborn genetic diseases. Identifiers: MedGen C0950123, MeSH D030342.

Allele frequency attached by ClinVar (database versions not stated): gnomAD exomes 0.00013 and 0.00012; ESP Exome Variant Server 0.00015; gnomAD 0.00011 and 0.00012; TOPMed 0.00011; ExAC 0.00013.

Submissions (5):

Labcorp Genetics (formerly Invitae), Labcorp
Classification: Likely benign for Neuronopathy, distal hereditary motor, type 7A; Congenital myasthenic syndrome 20. Last evaluated: 2026-01-22. Review status: criteria provided, single submitter. Criteria: Invitae Variant Classification Sherloc (09022015). Collection method: clinical testing. Allele origin: germline.

Mayo Clinic Laboratories, Mayo Clinic
Classification: Likely benign. Last evaluated: 2025-07-02. Review status: criteria provided, single submitter. Criteria: ACMG Guidelines, 2015. Collection method: clinical testing. Allele origin: germline. Observed: 3 variant alleles.
Comment: BP4, BP7

CeGaT Center for Human Genetics Tuebingen
Classification: Likely benign. Last evaluated: 2024-09-01. Review status: criteria provided, single submitter. Criteria: CeGaT Center For Human Genetics Tuebingen Variant Classification Criteria Version 2. Collection method: clinical testing. Allele origin: germline. Affected: yes. Observed: 1 variant allele.
Comment: SLC5A7: BP4, BP7

Ambry Genetics
Classification: Likely benign for Inborn genetic diseases. Last evaluated: 2019-07-11. Review status: criteria provided, single submitter. Criteria: Ambry Variant Classification Scheme 2023. Collection method: clinical testing. Allele origin: germline.

ARUP Laboratories, Molecular Genetics and Genomics, ARUP Laboratories
Classification: Likely benign. Last evaluated: 2018-06-19. Review status: criteria provided, single submitter. Criteria: ARUP Molecular Germline Variant Investigation Process. Collection method: clinical testing. Allele origin: germline.
Comment: The p.Leu207Leu variant (rs139476914) does not alter the amino acid sequence of the SLC5A7 protein and computational splice site prediction algorithms do not predict a change in the nearest splice site or creation of a cryptic splice site. This variant has not been reported in association with hereditary motor neuropathy in medical literature or in gene specific variation databases. This variant is listed in the Genome Aggregation Database (gnomAD) with an overall population frequency of 0.01 percent (identified on 33 out of 277,120 chromosomes). Based on these observations, the p.Leu207Leu variant is likely to be benign.

NM_021815.5(SLC5A7):c.619T>C (p.Leu207=)

Gene: SLC5A7 (solute carrier family 5 member 7; plus strand). Cytogenetic location: 2q12.3.
Variant type: single nucleotide variant.
Coding change: c.619T>C on transcript NM_021815.5 (MANE Select); coding-DNA position 619, T replaced by C.
Protein change: p.Leu207=; no amino-acid change (leucine 207 retained).
Molecular consequence: synonymous variant. On other transcripts: intron variant (1).
Genome position (GRCh38, 1-based): chr2:108,001,918, T>C. VCF-style: chr2-108001918-T-C. GRCh37 (hg19) VCF-style: chr2-108618374-T-C.
Other names: p.Leu207=; c.619T>C, p.Leu207= (NM_001305005.3); c.304T>C, p.Leu102= (NM_001305006.3); c.-107-16T>C (NM_001305007.3).
Identifiers: ClinVar variation 618373 (VCV000618373.34), dbSNP rs139476914, ClinGen allele CA1819024.